The following is an entry in ClinVar:

NM_001367949.2(FAT3):c.11134T>G (p.Phe3712Val)

Gene: FAT3 (FAT atypical cadherin 3; plus strand). Cytogenetic location: 11q14.3.
Variant type: single nucleotide variant.
Coding change: c.11134T>G on transcript NM_001367949.2 (MANE Select); coding-DNA position 11134, T replaced by G.
Protein change: p.Phe3712Val; replaces phenylalanine 3712 with valine.
Molecular consequence: missense variant.
Genome position (GRCh38, 1-based): chr11:92,844,501, T>G. VCF-style: chr11-92844501-T-G. GRCh37 (hg19) VCF-style: chr11-92577667-T-G.
Other names: c.11134T>G, p.Phe3712Val (NM_001008781.3); short protein forms F3712V.
Identifiers: ClinVar variation 2630716 (VCV002630716.1), dbSNP rs995605552, ClinGen allele CA226437920.
Genomic context (GRCh38, chr11:92,844,501, plus strand): 5'-CCCGTGGCAGGCACCAACCAACTGGACATGCTGTTTGCGGTGGAGATGCACAGCAGCGAG[T>G]TCTACAAGCCAGCCTACCTGATCCAGAAGCTGTCCAATGCTAGAAGACACCTGGAGAATA-3'
Protein context (NP_001354878.1, residues 3702-3722): LFAVEMHSSE[Phe3712Val]YKPAYLIQKL

ClinVar aggregate classification (germline): Uncertain significance (1 of 4 stars; one submission).

Conditions:
FAT3-related disorder. Also called: FAT3-related condition.

Allele frequency attached by ClinVar (database versions not stated): gnomAD exomes below 0.00001; TOPMed 0.00002; gnomAD 0.00003.
gnomAD v4.1: 9 of 1,613,598 alleles (0.00056%); highest among the groups gnomAD compares: Non-Finnish European, 0.00076%; no homozygotes.

Submission:

PreventionGenetics, part of Exact Sciences
Classification: Uncertain significance for FAT3-related condition. Last evaluated: 2023-08-28. Review status: criteria provided, single submitter. Criteria: ACMG Guidelines, 2015. Collection method: clinical testing. Allele origin: germline.
Comment: The FAT3 c.11134T>G variant is predicted to result in the amino acid substitution p.Phe3712Val. To our knowledge, this variant has not been reported in the literature. This variant is present in one allele out of ~248,900 alleles in the gnomAD database. At this time, the clinical significance of this variant is uncertain due to the absence of conclusive functional and genetic evidence.